The following is an entry in ClinVar:

ClinVar aggregate classification (germline): Benign/Likely benign. Review status: criteria provided, multiple submitters, no conflicts (2 of 4 stars). 6 submissions from 6 submitters: Benign (3); Likely benign (3). Last evaluated 2026-01-29.

Conditions:
Hereditary breast ovarian cancer syndrome. Also called: Hereditary breast and ovarian cancer syndrome; Hereditary breast and ovarian cancer syndrome (HBOC); Hereditary breast and ovarian cancer; Breast and ovarian cancer; BRCA1- and BRCA2-Associated Hereditary Breast and Ovarian Cancer; Hereditary breast and/or ovarian cancer syndrome. Identifiers: Orphanet 145, MedGen C0677776, MeSH D061325, MONDO:0003582. Disease mechanism: loss of function.
Acute lymphoid leukemia (ALL). Also called: Acute lymphoblastic leukemia; Acute lymphocytic leukemia; Leukemia, acute lymphoblastic, somatic; Lymphoblastic leukemia. Identifiers: Orphanet 513, MedGen C0023449, MONDO:0004967, OMIM 613065, HP:0006721.
Microcephaly, normal intelligence and immunodeficiency (NBS). Also called: SEEMANOVA SYNDROME II; Nijmegen breakage syndrome; Microcephaly with normal intelligence immunodeficiency and lymphoreticular malignancies; Nonsyndromal microcephaly autosomal recessive with normal intelligence; Seemanova syndrome 2; BERLIN BREAKAGE SYNDROME. Identifiers: Orphanet 647, MedGen C0398791, MONDO:0009623, OMIM 251260.

Allele frequency attached by ClinVar (database versions not stated): gnomAD exomes 0.00012 and 0.00027; ExAC 0.00051; 1000 Genomes Project 30x 0.00062; ESP Exome Variant Server 0.00062; 1000 Genomes Project 0.00100; gnomAD 0.00142 and 0.00157; TOPMed 0.00173.
gnomAD v4.1: 403 of 1,577,402 alleles (0.026%); highest among the groups gnomAD compares: African/African-American, 0.46%; 1 homozygote.

Submissions (6):

Labcorp Genetics (formerly Invitae), Labcorp
Classification: Benign for Microcephaly, normal intelligence and immunodeficiency. Last evaluated: 2026-01-29. Review status: criteria provided, single submitter. Criteria: Invitae Variant Classification Sherloc (09022015). Collection method: clinical testing. Allele origin: germline.

ARUP Laboratories, Molecular Genetics and Genomics, ARUP Laboratories
Classification: Likely benign. Last evaluated: 2025-05-23. Review status: criteria provided, single submitter. Criteria: ARUP Molecular Germline Variant Investigation Process 2024. Collection method: clinical testing. Allele origin: germline.

Blueprint Genetics
Classification: Likely benign. Last evaluated: 2024-11-27. Review status: criteria provided, single submitter. Criteria: ACMG Guidelines, 2015. Collection method: clinical testing. Allele origin: germline.

KCCC/NGS Laboratory, Kuwait Cancer Control Center
Classification: Benign for Acute lymphoid leukemia. Last evaluated: 2023-07-07. Review status: criteria provided, single submitter. Criteria: ACMG Guidelines, 2015. Collection method: clinical testing. Allele origin: germline. Affected: yes.

National Health Laboratory Service, Universitas Academic Hospital and University of the Free State
Classification: Likely benign for Hereditary breast ovarian cancer syndrome. Last evaluated: 2022-04-19. Review status: criteria provided, single submitter. Criteria: ACMG Guidelines, 2015. Collection method: clinical testing. Allele origin: germline. Affected: yes. Observed: 8 variant alleles.

GeneDx
Classification: Benign. Last evaluated: 2014-06-19. Review status: criteria provided, single submitter. Criteria: GeneDx Variant Classification (06012015). Collection method: clinical testing. Allele origin: germline. Affected: yes.
Comment: This variant is considered likely benign or benign based on one or more of the following criteria: it is a conservative change, it occurs at a poorly conserved position in the protein, it is predicted to be benign by multiple in silico algorithms, and/or has population frequency not consistent with disease.

NM_002485.5(NBN):c.1398-19C>T

Gene: NBN (nibrin; minus strand). Cytogenetic location: 8q21.3.
Variant type: single nucleotide variant.
Coding change: c.1398-19C>T on transcript NM_002485.5 (MANE Select); 19 bases into the intron before coding-DNA position 1398, C replaced by T.
Molecular consequence: intron variant.
Genome position (GRCh38, 1-based): chr8:89,953,710, G>A on the plus strand (C>T on the coding strand, the complement: NBN is on the minus strand). VCF-style: chr8-89953710-G-A. GRCh37 (hg19) VCF-style: chr8-90965938-G-A.
Other names: c.1152-19C>T (NM_001024688.3).
Identifiers: ClinVar variation 182707 (VCV000182707.15), dbSNP rs201495716, ClinGen allele CA299579.